The following is an entry in ClinVar:

ClinVar aggregate classification (germline): other (0 of 4 stars; one submission).

Conditions:
Familial colorectal cancer. Identifiers: MedGen CN280943, MONDO:0023113. Disease mechanism: loss of function.

Submission:

Systems Biology Platform Zhejiang California International NanoSystems Institute
Classification: other for Familial colorectal cancer. Review status: no assertion criteria provided. Collection method: not provided. Allele origin: unknown.
ClinVar note: Converted during submission from cancer to other.

NC_000005.10:g.112848623A>G

Variant type: single nucleotide variant.
Genome position: GRCh38 VCF-style: chr5-112848623-A-G. GRCh37 (hg19) VCF-style: chr5-112184320-A-G.
Identifiers: ClinVar variation 82643 (VCV000082643.3), dbSNP rs77550653, ClinGen allele CA250783.